The following is an entry in ClinVar:

NM_000492.4(CFTR):c.1210-13_1210-10del

Genes: CFTR (CF transmembrane conductance regulator; plus strand), CFTR-AS1 (CFTR antisense RNA 1; minus strand). Cytogenetic location: 7q31.2.
Variant type: Deletion.
Coding change: c.1210-13_1210-10del on transcript NM_000492.4 (MANE Select); 13 bases into the intron before coding-DNA position 1210 through 10 bases into the intron before coding-DNA position 1210, 4 bases deleted (GTTT; older notation c.1210-13_1210-10delGTTT).
Molecular consequence: intron variant.
Genome position (GRCh38, 1-based): chr7:117,548,628-117,548,631, GTTT deleted; deleting any 4 consecutive bases within chr7:117,548,627-117,548,631 gives the same sequence; the c. name uses the placement nearest the transcript's 3' end. VCF-style (leftmost placement, unchanged base first): chr7-117548626-GTGTT-G. GRCh37 (hg19) VCF-style: chr7-117188680-GTGTT-G.
Identifiers: ClinVar variation 291054 (VCV000291054.11), dbSNP rs765376630, ClinGen allele CA4450942.

ClinVar aggregate classification (germline): Conflicting classifications of pathogenicity. Review status: criteria provided, conflicting classifications (1 of 4 stars). 3 submissions from 3 submitters: Uncertain significance (2); Benign (1). Last evaluated 2022-06-20.

Conditions:
Cystic fibrosis (CF). Also called: MUCOVISCIDOSIS. Identifiers: Orphanet 586, MedGen C0010674, MONDO:0009061, OMIM 219700. Disease mechanism: loss of function.

Submissions (3):

GeneDx
Classification: Uncertain significance. Last evaluated: 2022-06-20. Review status: criteria provided, single submitter. Criteria: GeneDx Variant Classification Process June 2021. Collection method: clinical testing. Allele origin: germline. Affected: yes.
Comment: In silico analysis supports that this variant does not alter splicing; This variant is associated with the following publications: (PMID: 26436105, 18616886)

Labcorp Genetics (formerly Invitae), Labcorp
Classification: Benign for Cystic fibrosis. Last evaluated: 2021-10-31. Review status: criteria provided, single submitter. Criteria: Invitae Variant Classification Sherloc (09022015). Collection method: clinical testing. Allele origin: germline.

Eurofins Ntd Llc (ga)
Classification: Uncertain significance. Last evaluated: 2016-09-23. Review status: criteria provided, single submitter. Criteria: EGL Classification Definitions 2015. Collection method: clinical testing. Allele origin: germline. Observed: 1 variant allele.